The following is an entry in ClinVar:

NM_001042492.3(NF1):c.7700C>G (p.Pro2567Arg)

Gene: NF1 (neurofibromin 1; plus strand). Cytogenetic location: 17q11.2.
Variant type: single nucleotide variant.
Coding change: c.7700C>G on transcript NM_001042492.3 (MANE Select); coding-DNA position 7700, C replaced by G.
Protein change: p.Pro2567Arg; replaces proline 2567 with arginine.
Molecular consequence: missense variant.
Genome position (GRCh38, 1-based): chr17:31,356,544, C>G. VCF-style: chr17-31356544-C-G. GRCh37 (hg19) VCF-style: chr17-29683562-C-G.
Other names: c.7637C>G, p.Pro2546Arg (NM_000267.4); short protein forms P2546R, P2567R.
Identifiers: ClinVar variation 527416 (VCV000527416.12), dbSNP rs754511534, ClinGen allele CA8487635.

ClinVar aggregate classification (germline): Conflicting classifications of pathogenicity. Review status: criteria provided, conflicting classifications (1 of 4 stars). 5 submissions from 5 submitters: Uncertain significance (4); Likely benign (1). Last evaluated 2025-12-30.

Conditions:
Cardiovascular phenotype. Identifiers: MedGen CN230736.
Hereditary cancer-predisposing syndrome. Also called: Neoplastic Syndromes, Hereditary; Tumor predisposition; Hereditary neoplastic syndrome; Hereditary Cancer Syndrome. Identifiers: Orphanet 140162, MedGen C0027672, MeSH D009386, MONDO:0015356.
Neurofibromatosis, type 1 (NF1). Also called: VON RECKLINGHAUSEN DISEASE; NEUROFIBROMATOSIS, TYPE I, SOMATIC; Peripheral type neurofibromatosis; Neurofibromatosis, type I. Identifiers: Orphanet 636, MedGen C0027831, MONDO:0018975, OMIM 162200. Disease mechanism: loss of function.

gnomAD v4.1: 10 of 1,613,706 alleles (0.00062%); highest among the groups gnomAD compares: Non-Finnish European, 0.00085%; no homozygotes.

Submissions (5):

Labcorp Genetics (formerly Invitae), Labcorp
Classification: Likely benign for Neurofibromatosis, type 1. Last evaluated: 2025-12-30. Review status: criteria provided, single submitter. Criteria: Invitae Variant Classification Sherloc (09022015). Collection method: clinical testing. Allele origin: germline.

GeneDx
Classification: Uncertain significance. Last evaluated: 2024-05-20. Review status: criteria provided, single submitter. Criteria: GeneDx Variant Classification Process June 2021. Collection method: clinical testing. Allele origin: germline. Affected: yes.
Comment: In silico analysis supports that this missense variant has a deleterious effect on protein structure/function; Observed in an individual with kidney cancer (PMID: 29684080); This variant is associated with the following publications: (PMID: 25486365, 29684080)

Ambry Genetics
Classification: Uncertain significance for Cardiovascular phenotype; Hereditary cancer-predisposing syndrome. Last evaluated: 2023-12-04. Review status: criteria provided, single submitter. Criteria: Ambry Variant Classification Scheme 2023. Collection method: clinical testing. Allele origin: germline.
Comment: The p.P2546R variant (also known as c.7637C>G), located in coding exon 51 of the NF1 gene, results from a C to G substitution at nucleotide position 7637. The proline at codon 2546 is replaced by arginine, an amino acid with dissimilar properties. This amino acid position is highly conserved in available vertebrate species. In addition, the in silico prediction for this alteration is inconclusive. Since supporting evidence is limited at this time, the clinical significance of this alteration remains unclear.

Genome-Nilou Lab
Classification: Uncertain significance for Neurofibromatosis, type 1. Last evaluated: 2022-03-15. Review status: criteria provided, single submitter. Criteria: ACMG Guidelines, 2015. Collection method: clinical testing. Allele origin: germline. Affected: no.

Mendelics
Classification: Uncertain significance for Neurofibromatosis, type 1. Last evaluated: 2018-07-02. Review status: criteria provided, single submitter. Criteria: Mendelics Assertion Criteria 2017. Collection method: clinical testing. Allele origin: unknown.